The following is an entry in ClinVar:

NM_015375.3(DSTYK):c.1760G>C (p.Ser587Thr)

Gene: DSTYK (dual serine/threonine and tyrosine protein kinase; minus strand). Cytogenetic location: 1q32.1.
Variant type: single nucleotide variant.
Coding change: c.1760G>C on transcript NM_015375.3 (MANE Select); coding-DNA position 1760, G replaced by C.
Protein change: p.Ser587Thr; replaces serine 587 with threonine.
Molecular consequence: missense variant.
Genome position (GRCh38, 1-based): chr1:205,162,094, C>G on the plus strand (G>C on the coding strand, the complement: DSTYK is on the minus strand). VCF-style: chr1-205162094-C-G. GRCh37 (hg19) VCF-style: chr1-205131222-C-G.
Other names: c.1760G>C (NM_015375.2); c.1760G>C, p.Ser587Thr (NM_199462.3); short protein forms S587T.
Identifiers: ClinVar variation 2187389 (VCV002187389.8), dbSNP rs374851853, ClinGen allele CA1352770.

ClinVar aggregate classification (germline): Uncertain significance. Review status: criteria provided, multiple submitters, no conflicts (2 of 4 stars). 3 submissions from 3 submitters: Uncertain significance (3). Last evaluated 2025-11-07.

Conditions:
DSTYK-related disorder. Also called: DSTYK-related condition.

Allele frequency attached by ClinVar (database versions not stated): ExAC 0.00002; gnomAD exomes 0.00002; gnomAD 0.00006; ESP Exome Variant Server 0.00008; TOPMed 0.00011; 1000 Genomes Project 30x 0.00016; 1000 Genomes Project 0.00020.
gnomAD v4.1: 36 of 1,614,148 alleles (0.0022%); highest among the groups gnomAD compares: Admixed American, 0.013%; no homozygotes.

Submissions (3):

Ambry Genetics
Classification: Uncertain significance. Last evaluated: 2025-11-07. Review status: criteria provided, single submitter. Criteria: Ambry Variant Classification Scheme 2023. Collection method: clinical testing. Allele origin: germline.

Labcorp Genetics (formerly Invitae), Labcorp
Classification: Uncertain significance. Last evaluated: 2022-10-18. Review status: criteria provided, single submitter. Criteria: Invitae Variant Classification Sherloc (09022015). Collection method: clinical testing. Allele origin: germline.
Comment: In summary, the available evidence is currently insufficient to determine the role of this variant in disease. Therefore, it has been classified as a Variant of Uncertain Significance. This sequence change replaces serine, which is neutral and polar, with threonine, which is neutral and polar, at codon 587 of the DSTYK protein (p.Ser587Thr). This variant is present in population databases (rs374851853, gnomAD 0.009%). This variant has not been reported in the literature in individuals affected with DSTYK-related conditions. Algorithms developed to predict the effect of missense changes on protein structure and function are either unavailable or do not agree on the potential impact of this missense change (SIFT: "Deleterious"; PolyPhen-2: "Benign"; Align-GVGD: "Class C55").

PreventionGenetics, part of Exact Sciences
Classification: Uncertain significance for DSTYK-related condition. Last evaluated: 2022-09-28. Review status: criteria provided, single submitter. Criteria: ACMG Guidelines, 2015. Collection method: clinical testing. Allele origin: germline.
Comment: The DSTYK c.1760G>C variant is predicted to result in the amino acid substitution p.Ser587Thr. To our knowledge, this variant has not been reported in the literature. This variant is reported in 0.0085% of alleles in individuals of Latino descent in gnomAD. At this time, the clinical significance of this variant is uncertain due to the absence of conclusive functional and genetic evidence.